The following is an entry in ClinVar:

NM_003801.4(GPAA1):c.1165-1C>T

Gene: GPAA1 (glycosylphosphatidylinositol anchor attachment 1; plus strand). Cytogenetic location: 8q24.3.
Variant type: single nucleotide variant.
Coding change: c.1165-1C>T on transcript NM_003801.4 (MANE Select); the canonical splice acceptor site of the intron before coding-DNA position 1165, C replaced by T.
Molecular consequence: splice acceptor variant.
Genome position (GRCh38, 1-based): chr8:144,085,042, C>T. VCF-style: chr8-144085042-C-T. GRCh37 (hg19) VCF-style: chr8-145139945-C-T.
Identifiers: ClinVar variation 1394986 (VCV001394986.11), dbSNP rs187027021, ClinGen allele CA4933085.

ClinVar aggregate classification (germline): Likely pathogenic. Review status: criteria provided, multiple submitters, no conflicts (2 of 4 stars). 3 submissions from 3 submitters: Likely pathogenic (3). Last evaluated 2025-05-14.

Conditions:
Glycosylphosphatidylinositol biosynthesis defect 15. Also called: DEVELOPMENTAL DELAY, EPILEPSY, CEREBELLAR ATROPHY, AND OSTEOPENIA. Identifiers: Orphanet 529665, MedGen C4540520, MONDO:0060627, OMIM 617810.

Allele frequency attached by ClinVar (database versions not stated): gnomAD 0.00003 and 0.00007; TOPMed 0.00003; 1000 Genomes Project 0.00060; 1000 Genomes Project 30x 0.00078; gnomAD exomes 0.00008; ExAC 0.00010.
gnomAD v4.1: 81 of 1,605,772 alleles (0.005%); highest among the groups gnomAD compares: South Asian, 0.06%; no homozygotes.

Submissions (3):

Labcorp Genetics (formerly Invitae), Labcorp
Classification: Likely pathogenic. Last evaluated: 2025-05-14. Review status: criteria provided, single submitter. Criteria: Invitae Variant Classification Sherloc (09022015). Collection method: clinical testing. Allele origin: germline.
Comment: This sequence change affects an acceptor splice site in intron 8 of the GPAA1 gene. It is expected to disrupt RNA splicing. Variants that disrupt the donor or acceptor splice site typically lead to a loss of protein function (PMID: 16199547), and loss-of-function variants in GPAA1 are known to be pathogenic (PMID: 29100095). This variant is present in population databases (rs187027021, gnomAD 0.04%). Disruption of this splice site has been observed in individual(s) with clinical features of congenital disorder of glycosylation (GPAA1-CDG) (PMID: 37393059). ClinVar contains an entry for this variant (Variation ID: 1394986). Variants that disrupt the consensus splice site are a relatively common cause of aberrant splicing (PMID: 17576681, 9536098). Experimental studies and prediction algorithms are not available or were not evaluated, and the effect of this variant on mRNA splicing is currently unknown. In summary, the currently available evidence indicates that the variant is pathogenic, but additional data are needed to prove that conclusively. Therefore, this variant has been classified as Likely Pathogenic.

3billion
Classification: Likely pathogenic for Glycosylphosphatidylinositol biosynthesis defect 15. Last evaluated: 2022-03-22. Review status: criteria provided, single submitter. Criteria: ACMG Guidelines, 2015. Collection method: clinical testing. Allele origin: germline. Affected: yes. Observed: 1 homozygote.
Comment: Canonical splice site: predicted to alter splicing and result in a loss or disruption of normal protein function through nonsense-mediated decay (NMD) or protein truncation. Multiple pathogenic variants are reported downstream of the variant. The variant is observed at an extremely low frequency in the gnomAD v2.1.1 dataset (total allele frequency:0.0000867). Therefore, this variant is classified as likely pathogenic according to the recommendation of ACMG/AMP guideline.

Juno Genomics, Hangzhou Juno Genomics, Inc
Classification: Likely pathogenic for Glycosylphosphatidylinositol biosynthesis defect 15. Review status: criteria provided, single submitter. Criteria: ACMG Guidelines, 2015. Collection method: clinical testing. Allele origin: germline.
Comment: Absent from controls (or at extremely low frequency if recessive) in Genome Aggregation Database.;Null variant in a gene where loss of function (LOF) is a known mechanism of disease.;For recessive disorders, detected in trans with a pathogenic variant.;Co-segregation with disease in multiple affected family members.

Literature cited by the submitters: PubMed 16199547 (cited by Labcorp Genetics (formerly Invitae), Labcorp); PubMed 29100095 (cited by Labcorp Genetics (formerly Invitae), Labcorp); PubMed 37393059 (cited by Labcorp Genetics (formerly Invitae), Labcorp); PubMed 17576681 (cited by Labcorp Genetics (formerly Invitae), Labcorp); PubMed 9536098 (cited by Labcorp Genetics (formerly Invitae), Labcorp).